The following is an entry in ClinVar:

ClinVar aggregate classification (germline): not provided (0 of 4 stars; one submission).

Conditions:
FG syndrome 1 (OKS). Also called: OPITZ-KAVEGGIA SYNDROME; KELLER SYNDROME; MENTAL RETARDATION, LARGE HEAD, IMPERFORATE ANUS, CONGENITAL HYPOTONIA, AND PARTIAL AGENESIS OF CORPUS CALLOSUM; FG Syndrome Type 1 (FGS1). Identifiers: Orphanet 93932, MedGen C5399762, MONDO:0010590, OMIM 305450.

Submission:

GeneReviews
No classification provided. Condition: FG syndrome. Review status: no classification provided. Collection method: literature only. Allele origin: germline.

Literature cited by the submitters: PubMed 33244165; PubMed 20301719.

NM_005120.3(MED12):c.6231C>A (p.Tyr2077Ter)

Gene: MED12 (mediator complex subunit 12; plus strand). Cytogenetic location: Xq13.1.
Variant type: single nucleotide variant.
Coding change: c.6231C>A on transcript NM_005120.3 (MANE Select); coding-DNA position 6231, C replaced by A.
Protein change: p.Tyr2077Ter; replaces tyrosine 2077 with a stop codon.
Molecular consequence: nonsense.
Genome position (GRCh38, 1-based): chrX:71,140,821, C>A. VCF-style: chrX-71140821-C-A. GRCh37 (hg19) VCF-style: chrX-70360671-C-A.
Other names: short protein forms Y2077*.
Identifiers: ClinVar variation 1210253 (VCV001210253.2), dbSNP rs2147839986, ClinGen allele CA413540773.